The following is an entry in ClinVar:

ClinVar aggregate classification (germline): Uncertain significance (1 of 4 stars; one submission).

gnomAD v4.1: 1 of 1,613,512 alleles (0.000062%); highest among the groups gnomAD compares: Non-Finnish European, 0.000085%; no homozygotes.

Submission:

Greenwood Genetic Center Diagnostic Laboratories, Greenwood Genetic Center
Classification: Uncertain significance. Last evaluated: 2024-09-24. Review status: criteria provided, single submitter. Criteria: ACMG Guidelines, 2015. Collection method: clinical testing. Allele origin: germline. Affected: yes.
Comment: Gene of Uncertain Significance

NM_015080.4(NRXN2):c.1907G>T (p.Arg636Leu)

Gene: NRXN2 (neurexin 2; minus strand). Cytogenetic location: 11q13.1.
Variant type: single nucleotide variant.
Coding change: c.1907G>T on transcript NM_015080.4 (MANE Select); coding-DNA position 1907, G replaced by T.
Protein change: p.Arg636Leu; replaces arginine 636 with leucine.
Molecular consequence: missense variant.
Genome position (GRCh38, 1-based): chr11:64,661,031, C>A on the plus strand (G>T on the coding strand, the complement: NRXN2 is on the minus strand). VCF-style: chr11-64661031-C-A. GRCh37 (hg19) VCF-style: chr11-64428503-C-A.
Other names: c.1907G>T, p.Arg636Leu (NM_001376262.1); c.1886G>T, p.Arg629Leu (NM_001376263.1, NM_001376267.1); c.1862G>T, p.Arg621Leu (NM_001376265.1); c.1883G>T, p.Arg628Leu (NM_001376266.1); c.1814G>T, p.Arg605Leu (NM_138732.3); short protein forms R605L, R621L, R628L, R629L, R636L.
Identifiers: ClinVar variation 3765666 (VCV003765666.1).